The following is an entry in ClinVar:

NM_007194.4(CHEK2):c.1081G>T (p.Asp361Tyr)

Gene: CHEK2 (checkpoint kinase 2; minus strand). Cytogenetic location: 22q12.1.
Variant type: single nucleotide variant.
Coding change: c.1081G>T on transcript NM_007194.4 (MANE Select); coding-DNA position 1081, G replaced by T.
Protein change: p.Asp361Tyr; replaces aspartic acid 361 with tyrosine.
Molecular consequence: missense variant. On other transcripts: intron variant (3).
Genome position (GRCh38, 1-based): chr22:28,696,915, C>A on the plus strand (G>T on the coding strand, the complement: CHEK2 is on the minus strand). VCF-style: chr22-28696915-C-A. GRCh37 (hg19) VCF-style: chr22-29092903-C-A.
Other names: c.1210G>T, p.Asp404Tyr (NM_001005735.3); c.418G>T, p.Asp140Tyr (NM_001257387.3, NM_001437942.1); c.880G>T, p.Asp294Tyr (NM_001349956.3); c.1174G>T, p.Asp392Tyr (NM_001438293.1); c.1009-1042G>T (NM_145862.3); c.1102-1042G>T (NM_001438295.1); c.1138-1042G>T (NM_001438294.1); short protein forms D361Y, D140Y, D404Y, D294Y, D392Y.
Identifiers: ClinVar variation 186434 (VCV000186434.6), dbSNP rs199859140, ClinGen allele CA194800.
Genomic context (GRCh38, chr22:28,696,915, plus strand): 5'-ACAAGAATCTACAGGAATAGCCACATACAGAATGCCAATTTCTTACCTTTATAAGACAGT[C>A]CTCTTCTTGAGATGACAGTAAAACATTCTCTGGCTTTAAGTCACGGTGTATAATACCGTT-3'
Protein context (NP_009125.1, residues 351-371): ENVLLSSQEE[Asp361Tyr]CLIKITDFGH

ClinVar aggregate classification (germline): Uncertain significance. Review status: criteria provided, multiple submitters, no conflicts (2 of 4 stars). 2 submissions from 2 submitters: Uncertain significance (2). Last evaluated 2023-07-03.

Conditions:
Familial cancer of breast. Also called: BREAST CANCER, FAMILIAL; Hereditary breast cancer; hereditary breast carcinoma. Identifiers: Orphanet 227535, MedGen C0346153, MONDO:0016419, OMIM 114480. Disease mechanism: loss of function.
Hereditary cancer-predisposing syndrome. Also called: Neoplastic Syndromes, Hereditary; Tumor predisposition; Hereditary Cancer Syndrome; Hereditary neoplastic syndrome. Identifiers: Orphanet 140162, MedGen C0027672, MeSH D009386, MONDO:0015356.

Submissions (2):

Baylor Genetics
Classification: Uncertain significance for Familial cancer of breast. Last evaluated: 2023-07-03. Review status: criteria provided, single submitter. Criteria: ACMG Guidelines, 2015. Collection method: clinical testing. Allele origin: unknown.

Ambry Genetics
Classification: Uncertain significance for Hereditary cancer-predisposing syndrome. Last evaluated: 2014-10-17. Review status: criteria provided, single submitter. Criteria: Ambry Variant Classification Scheme 2023. Collection method: clinical testing. Allele origin: germline.
Comment: The p.D361Y variant (also known as c.1081G>T), located in coding exon 9 of the CHEK2 gene, results from a G to T substitution at nucleotide position 1081. The aspartic acid at codon 361 is replaced by tyrosine, an amino acid with highly dissimilar properties. This variant was not reported in population based cohorts in the following databases: Database of Single Nucleotide Polymorphisms (dbSNP), NHLBI Exome Sequencing Project (ESP), and 1000 Genomes Project. In the ESP, this variant was not observed in 6503 samples (13006 alleles) with coverage at this position. To date, this alteration has been detected with an allele frequency of approximately 0.004% (greater than 26,000 alleles tested) in our clinical cohort. This amino acid position is well conserved through mammals, but not in lower vertebrate species. In addition, this alteration is predicted to be tolerated by in silico analysis. Since supporting evidence is limited at this time, the clinical significance of p.D361Y remains unclear.